The following is an entry in ClinVar:

ClinVar aggregate classification (germline): Conflicting classifications of pathogenicity. Review status: criteria provided, conflicting classifications (1 of 4 stars). 14 submissions from 14 submitters: Likely pathogenic (2); Uncertain significance (9). 3 of the submissions do not count toward it. Last evaluated 2026-05-19.

Conditions:
Mitochondrial complex II deficiency, nuclear type 1. Also called: SUCCINATE CoQ REDUCTASE DEFICIENCY. Identifiers: Orphanet 3208, MedGen C5700310, MONDO:0100294, OMIM 252011.
Pheochromocytoma/paraganglioma syndrome 5. Also called: Paragangliomas 5; SDHA-Related Hereditary Paraganglioma-Pheochromocytoma Syndrome. Identifiers: Orphanet 29072, MedGen C3279992, MONDO:0013602, OMIM 614165.
Dilated cardiomyopathy 1GG (CMD1GG). Identifiers: Orphanet 154, MedGen C3150898, MONDO:0013339, OMIM 613642.
Neurodegeneration with ataxia and late-onset optic atrophy. Identifiers: MedGen C5543254, MONDO:0031006, OMIM 619259.
Hereditary cancer-predisposing syndrome. Also called: Neoplastic Syndromes, Hereditary; Hereditary neoplastic syndrome; Hereditary Cancer Syndrome; Tumor predisposition. Identifiers: Orphanet 140162, MedGen C0027672, MeSH D009386, MONDO:0015356.
SDHA-related disorder. Also called: SDHA-related condition; SDHA-related disorders.
Gastrointestinal stromal tumor. Also called: Gastrointestinal stromal tumor, somatic; Gastrointestinal stroma tumor. Identifiers: Orphanet 44890, MedGen C0238198, MeSH D046152, MONDO:0011719, OMIM 606764, HP:0100723.

Allele frequency attached by ClinVar (database versions not stated): gnomAD exomes 0.00002; ExAC 0.00004.

Submissions (14):

Myriad Genetics, Inc.
Classification: Likely pathogenic for Pheochromocytoma/paraganglioma syndrome 5. Last evaluated: 2026-05-19. Review status: criteria provided, single submitter. Criteria: Myriad Autosomal Dominant, Autosomal Recessive and X-Linked Classification Criteria (2023). Collection method: clinical testing. Allele origin: unknown.
Comment: This variant is considered likely pathogenic. Functional studies indicate this variant impacts protein function [PMID: 39321216]. This variant has been reported in multiple individuals with clinical features of gene-specific disease [PMID: 30877234, 25595276, 28384794; Myriad internal data].

Victorian Clinical Genetics Services, Murdoch Childrens Research Institute
Classification: Uncertain significance for Mitochondrial complex II deficiency, nuclear type 1. Last evaluated: 2025-09-15. Review status: criteria provided, single submitter. Criteria: ACMG Guidelines, 2015. Collection method: clinical testing. Allele origin: germline. Affected: yes.
Comment: This variant is classified as VUS-3A. Evidence in support of pathogenic classification: Variant is present in gnomAD <0.01 (v2: 5 heterozygote(s), 0 homozygote(s)). It is also present in more individuals in gnomAD v4 but failed quality control filters; Missense variant predicted to be damaging by in silico tool(s) or highly conserved with a major amino acid change. Additional information: Variant is predicted to result in a missense amino acid change from Arg to Gln; This variant is heterozygous; This gene is associated with both recessive and dominant disease (OMIM); Alternative amino acid change(s) at the same position are present in gnomAD (highest allele count: v4: 50 heterozygote(s), 0 homozygote(s)); Previous reports of pathogenicity for this variant are conflicting. This variant has been classified as a VUS by clinical laboratories in ClinVar for assorted SDHA-related conditions, however it has also been classified as likely pathogenic and likely benign. Additionally, it has been reported in the literature in a heterozygous state in four adults with paragangliomas, and two adults with gastrointestinal stromal tumours (PMID: 25595276, 28384794, 35059314). It has also been reported in a child with Leigh syndrome in a compound heterozygous state with another missense variant (PMID: 36468010); Other missense variants comparable to the one identified in this case have conflicting previous evidence for pathogenicity. The p.(Arg600Gly) variant has been classified as a VUS by a clinical laboratory in ClinVar. Additionally, the p.(Arg600Trp) variant has been classified as a VUS multiple times by clinical laboratories in ClinVar, as well as a single likely pathogenic classification; Variant is located in the annotated fumarate reductase flavoprotein C-term domain (DECIPHER, Pfam); Loss of function is a known mechanism of disease in this gene and is associated with SDHA-related disorders (MIM#613642, MIM#252011, MIM#619259, MIM#614165); A condition associated with this gene has incomplete penetrance. Variants in this gene are known to have reduced penetrance for paragangliomas 5 (PMID: 29978154).

Ambry Genetics
Classification: Likely pathogenic for Hereditary cancer-predisposing syndrome. Last evaluated: 2025-05-05. Review status: criteria provided, single submitter. Criteria: Ambry Variant Classification Scheme 2023. Collection method: clinical testing. Allele origin: germline.
Comment: The p.R600Q variant (also known as c.1799G>A), located in coding exon 14 of the SDHA gene, results from a G to A substitution at nucleotide position 1799. The arginine at codon 600 is replaced by glutamine, an amino acid with highly similar properties. This variant was reported in individuals with features consistent with hereditary paraganglioma-pheochromocytoma (von Dobschuetz E et al. Endocr. Relat. Cancer, 2015 Apr;22:191-204; Bausch B et al. JAMA Oncol, 2017 Sep;3:1204-1212; Ben Aim L et al. J. Med. Genet., 2019 08;56:513-520; Ambry internal data). The alteration was also detected in two gastrointestinal stromal tumors (GIST), which tested negative for SDHB by immunohistochemistry (Boikos SA et al. JAMA Oncol, 2016 Jul;2:922-8), and was reported as a germline finding in two additional individuals with SDHB-deficient GISTs (Pantaleo MA et al. Front Oncol, 2021 Jan;11:778461). This alteration was also reported in conjunction with a second SDHA variant of unknown significance in a patient with respiratory chain group mitochondrial disease (Wu T et al. Pediatr Neurol, 2022 Jul;132:11-18). This amino acid position is highly conserved in available vertebrate species. In addition, the in silico prediction for this alteration is inconclusive. Based on the majority of available evidence to date, this variant is likely to be pathogenic.

Fulgent Genetics
Classification: Uncertain significance for Mitochondrial complex II deficiency, nuclear type 1; Dilated cardiomyopathy 1GG; Pheochromocytoma/paraganglioma syndrome 5; Neurodegeneration with ataxia and late-onset optic atrophy. Last evaluated: 2024-02-13. Review status: criteria provided, single submitter. Criteria: ACMG Guidelines, 2015. Collection method: clinical testing. Allele origin: germline.

Baylor Genetics
Classification: Uncertain significance for Dilated cardiomyopathy 1GG. Last evaluated: 2024-01-22. Review status: criteria provided, single submitter. Criteria: ACMG Guidelines, 2015. Collection method: clinical testing. Allele origin: unknown.

Mayo Clinic Laboratories, Mayo Clinic
Classification: Uncertain significance. Last evaluated: 2023-12-20. Review status: criteria provided, single submitter. Criteria: ACMG Guidelines, 2015. Collection method: clinical testing. Allele origin: germline. Observed: 2 variant alleles.
Comment: PP3, PP4

Genetics and Molecular Pathology, SA Pathology
Classification: Uncertain significance for Mitochondrial complex II deficiency, nuclear type 1. Last evaluated: 2022-12-30. Review status: criteria provided, single submitter. Criteria: ACMG Guidelines, 2015. Collection method: clinical testing. Allele origin: germline. Affected: yes.

Quest Diagnostics Nichols Institute San Juan Capistrano
Classification: Uncertain significance. Last evaluated: 2022-10-10. Review status: criteria provided, single submitter. Criteria: Quest Diagnostics criteria. Collection method: clinical testing. Allele origin: unknown.
Comment: The frequency of this variant in the general population, 0.00015 (3/19410 chromosomes), is uninformative in assessment of its pathogenicity. In the published literature, the variant has been reported in individuals with paragangliomas (PMIDs: 28384794 (2018) and 25595276 (2015)). Analysis of this variant using bioinformatics tools for the prediction of the effect of amino acid changes on protein structure and function yielded predictions that this variant is damaging. Based on the available information, we are unable to determine the clinical significance of this variant.

“Giorgio Prodi” Cancer Research Center, University of Bologna
Classification: Uncertain significance for Gastrointestinal stromal tumor. Last evaluated: 2021-10-01. Review status: criteria provided, single submitter. Criteria: ACMG Guidelines, 2015. Collection method: research. Allele origin: germline. Affected: yes. Observed: 2 variant alleles.

Labcorp Genetics (formerly Invitae), Labcorp
Classification: Uncertain significance for Pheochromocytoma/paraganglioma syndrome 5; Mitochondrial complex II deficiency, nuclear type 1. Last evaluated: 2019-10-07. Review status: criteria provided, single submitter. Criteria: Invitae Variant Classification Sherloc (09022015). Collection method: clinical testing. Allele origin: germline.
Comment: In summary, the available evidence is currently insufficient to determine the role of this variant in disease. Therefore, it has been classified as a Variant of Uncertain Significance. Algorithms developed to predict the effect of sequence changes on RNA splicing suggest that this variant may create or strengthen a splice site, but this prediction has not been confirmed by published transcriptional studies. Algorithms developed to predict the effect of missense changes on protein structure and function (SIFT, PolyPhen-2, Align-GVGD) all suggest that this variant is likely to be disruptive, but these predictions have not been confirmed by published functional studies and their clinical significance is uncertain. This variant has been reported in individuals with SDHA-related conditions (PMID: 25595276, 28384794). ClinVar contains an entry for this variant (Variation ID: 259244). The frequency data for this variant in the population databases is considered unreliable, as metrics indicate poor data quality at this position in the ExAC database. This sequence change replaces arginine with glutamine at codon 600 of the SDHA protein (p.Arg600Gln). The arginine residue is highly conserved and there is a small physicochemical difference between arginine and glutamine.

GeneDx
Classification: Uncertain significance. Last evaluated: 2019-05-14. Review status: criteria provided, single submitter. Criteria: GeneDx Variant Classification Process June 2021. Collection method: clinical testing. Allele origin: germline. Affected: yes.
Comment: In silico analysis, which includes protein predictors and evolutionary conservation, supports a deleterious effect; Not observed at a significant frequency in large population cohorts (Lek et al., 2016); This variant is associated with the following publications: (PMID: 27011036, 25595276, 28384794, 30877234)

PreventionGenetics, part of Exact Sciences
Classification: Likely benign for SDHA-related condition. Last evaluated: 2020-01-07. Review status: no assertion criteria provided. Collection method: clinical testing. Allele origin: germline. Not counted in ClinVar's aggregate classification.
Comment: This variant is classified as likely benign based on ACMG/AMP sequence variant interpretation guidelines (Richards et al. 2015 PMID: 25741868, with internal and published modifications).

Diagnostic Laboratory, Department of Genetics, University Medical Center Groningen
Classification: Uncertain significance. Review status: no assertion criteria provided. Collection method: clinical testing. Allele origin: germline. Affected: yes. Study: VKGL Data-share Consensus. Not counted in ClinVar's aggregate classification.

Joint Genome Diagnostic Labs from Nijmegen and Maastricht, Radboudumc and MUMC+
Classification: Uncertain significance. Review status: no assertion criteria provided. Collection method: clinical testing. Allele origin: germline. Affected: yes. Study: VKGL Data-share Consensus. Not counted in ClinVar's aggregate classification.

Literature cited by the submitters: PubMed 39321216 (cited by Myriad Genetics, Inc.); PubMed 30877234 (cited by 3 submitters); PubMed 25595276 (cited by 6 submitters); PubMed 28384794 (cited by 6 submitters); PubMed 36468010 (cited by Victorian Clinical Genetics Services, Murdoch Childrens Research Institute); PubMed 35059314 (cited by 3 submitters); PubMed 29978154 (cited by Victorian Clinical Genetics Services, Murdoch Childrens Research Institute); PubMed 27011036 (cited by 3 submitters); PubMed 28500238 (cited by Ambry Genetics and Quest Diagnostics Nichols Institute San Juan Capistrano); PubMed 33726816 (cited by Ambry Genetics and Quest Diagnostics Nichols Institute San Juan Capistrano); PubMed 35598585 (cited by Ambry Genetics).

NM_004168.4(SDHA):c.1799G>A (p.Arg600Gln)

Gene: SDHA (succinate dehydrogenase complex flavoprotein subunit A; plus strand). Cytogenetic location: 5p15.33.
Variant type: single nucleotide variant.
Coding change: c.1799G>A on transcript NM_004168.4 (MANE Select); coding-DNA position 1799, G replaced by A.
Protein change: p.Arg600Gln; replaces arginine 600 with glutamine.
Molecular consequence: missense variant.
Genome position (GRCh38, 1-based): chr5:254,397, G>A. VCF-style: chr5-254397-G-A. GRCh37 (hg19) VCF-style: chr5-254512-G-A.
Other names: p.Arg600Gln; c.1655G>A, p.Arg552Gln (NM_001294332.2); c.1556G>A, p.Arg519Gln (NM_001330758.2); short protein forms R600Q, R552Q, R519Q.
Identifiers: ClinVar variation 259244 (VCV000259244.41), dbSNP rs1126568, ClinGen allele CA3173431.